The following is an entry in ClinVar:

ClinVar aggregate classification (germline): Pathogenic (1 of 4 stars; one submission).

Conditions:
Fanconi anemia (FA). Also called: Fanconi's anemia. Identifiers: Orphanet 84, MedGen C0015625, MeSH D005199, MONDO:0019391.

Submission:

Labcorp Genetics (formerly Invitae), Labcorp
Classification: Pathogenic for Fanconi anemia. Last evaluated: 2019-10-10. Review status: criteria provided, single submitter. Criteria: Invitae Variant Classification Sherloc (09022015). Collection method: clinical testing. Allele origin: germline.
Comment: This variant is a gross deletion of the genomic region encompassing exons 1-5 of the FANCA gene, which includes the initiator codon. The 5' end of this event is unknown as it extends beyond the assayed region for this gene and therefore may encompass additional genes. The 3' boundary is likely confined to intron 5 of the FANCA gene. This is expected to result in an absent or disrupted protein product. A deletion of exons 1 -5 was reported to segregate with Fanconi anemia in a single family (PMID: 23898106). In addition, deletions of exons 1 -5 have been reported in 4 other individuals with Fanconi anemia (PMID: 24584348, 10521298). Loss-of-function variants in FANCA are known to be pathogenic (PMID: 19367192). For these reasons, this variant has been classified as Pathogenic.

Literature cited by the submitters: PubMed 23898106; PubMed 24584348; PubMed 10521298.

NC_000016.10:g.(?_89810697)_(89816616_?)del

Gene: FANCA (FA complementation group A; minus strand). Cytogenetic location: 16q24.3.
Variant type: Deletion.
Identifiers: ClinVar variation 831925 (VCV000831925.1).